The following is an entry in ClinVar:

ClinVar aggregate classification (germline): Uncertain significance (1 of 4 stars; one submission).

Submission:

Women's Health and Genetics/Laboratory Corporation of America, LabCorp
Classification: Uncertain significance. Last evaluated: 2024-11-06. Review status: criteria provided, single submitter. Criteria: LabCorp Variant Classification Summary - May 2015. Collection method: clinical testing. Allele origin: germline.
Comment: Variant summary: SLC12A6 c.1335G>A (p.Glu445Glu) alters a conserved nucleotide located close to a canonical splice site and therefore could affect mRNA splicing, leading to a significantly altered protein sequence. Consensus agreement among computation tools predict no significant impact on normal splicing. However, these predictions have yet to be confirmed by functional studies. The variant was absent in 251362 control chromosomes (gnomAD). The available data on variant occurrences in the general population are insufficient to allow any conclusion about variant significance. To our knowledge, no occurrence of c.1335G>A in individuals affected with Agenesis of the corpus callosum with peripheral neuropathy and no experimental evidence demonstrating its impact on protein function have been reported. No submitters have cited clinical-significance assessments for this variant to ClinVar. Based on the evidence outlined above, the variant was classified as uncertain significance.

NM_001365088.1(SLC12A6):c.1335G>A (p.Glu445=)

Gene: SLC12A6 (solute carrier family 12 member 6; minus strand). Cytogenetic location: 15q14.
Variant type: single nucleotide variant.
Coding change: c.1335G>A on transcript NM_001365088.1 (MANE Select); coding-DNA position 1335, G replaced by A.
Protein change: p.Glu445=; no amino-acid change (glutamic acid 445 retained).
Molecular consequence: synonymous variant.
Genome position (GRCh38, 1-based): chr15:34,251,056, C>T on the plus strand (G>A on the coding strand, the complement: SLC12A6 is on the minus strand). VCF-style: chr15-34251056-C-T. GRCh37 (hg19) VCF-style: chr15-34543257-C-T.
Other names: c.1158G>A, p.Glu386= (NM_001042494.2, NM_001042495.2); c.1308G>A, p.Glu436= (NM_001042496.2); c.1290G>A, p.Glu430= (NM_001042497.2); c.1182G>A, p.Glu394= (NM_005135.2); c.1335G>A, p.Glu445= (NM_133647.2).
Identifiers: ClinVar variation 3629797 (VCV003629797.1).